The following is an entry in ClinVar:

NM_130384.3(ATRIP):c.795G>A (p.Thr265=)

Genes: ATRIP (ATR interacting protein; plus strand), ATRIP-TREX1 (ATRIP-TREX1 readthrough; plus strand). Cytogenetic location: 3p21.31.
Variant type: single nucleotide variant.
Coding change: c.795G>A on transcript NM_130384.3 (MANE Select); coding-DNA position 795, G replaced by A.
Protein change: p.Thr265=; no amino-acid change (threonine 265 retained).
Molecular consequence: synonymous variant. On other transcripts: non-coding transcript variant (1).
Genome position (GRCh38, 1-based): chr3:48,457,382, G>A. VCF-style: chr3-48457382-G-A. GRCh37 (hg19) VCF-style: chr3-48498782-G-A.
Other names: c.795G>A (NM_130384.1); c.414G>A, p.Thr138= (NM_001271022.2); c.516G>A, p.Thr172= (NM_001271023.2); c.795G>A, p.Thr265= (NM_032166.4).
Identifiers: ClinVar variation 1932595 (VCV001932595.6), dbSNP rs779664499, ClinGen allele CA2376053.

ClinVar aggregate classification (germline): Uncertain significance. Review status: criteria provided, multiple submitters, no conflicts (2 of 4 stars). 2 submissions from 2 submitters: Uncertain significance (2). Last evaluated 2025-04-21.

Allele frequency attached by ClinVar (database versions not stated): TOPMed 0.00001; ExAC 0.00002; gnomAD 0.00002.
gnomAD v4.1: 24 of 1,596,142 alleles (0.0015%); highest among the groups gnomAD compares: South Asian, 0.0069%; no homozygotes.

Submissions (2):

Ambry Genetics
Classification: Uncertain significance. Last evaluated: 2025-04-21. Review status: criteria provided, single submitter. Criteria: Ambry Variant Classification Scheme 2023. Collection method: clinical testing. Allele origin: germline.
Comment: The c.795G>A variant (also known as p.T265T), located in coding exon 5 of the ATRIP gene, results from a G to A substitution at nucleotide position 795. This nucleotide substitution does not change the amino acid at codon 265. This nucleotide position is poorly conserved in available vertebrate species. In silico splice site analysis predicts that this alteration may weaken the native splice donor site. The evidence for this gene-disease relationship is limited; therefore, the clinical significance of this alteration is unclear.

Labcorp Genetics (formerly Invitae), Labcorp
Classification: Uncertain significance. Last evaluated: 2023-08-10. Review status: criteria provided, single submitter. Criteria: Invitae Variant Classification Sherloc (09022015). Collection method: clinical testing. Allele origin: germline.
Comment: Algorithms developed to predict the effect of sequence changes on RNA splicing suggest that this variant may disrupt the consensus splice site. In summary, the available evidence is currently insufficient to determine the role of this variant in disease. Therefore, it has been classified as a Variant of Uncertain Significance. ClinVar contains an entry for this variant (Variation ID: 1932595). This variant has not been reported in the literature in individuals affected with ATRIP-related conditions. This variant is present in population databases (rs779664499, gnomAD 0.01%). This sequence change affects codon 265 of the ATRIP mRNA. It is a 'silent' change, meaning that it does not change the encoded amino acid sequence of the ATRIP protein.